The following is an entry in ClinVar:

NM_003470.3(USP7):c.2551_2675del125 (p.Asn851fs)

Gene: USP7 (ubiquitin specific peptidase 7; minus strand). Cytogenetic location: 16p13.2.
Variant type: Deletion.
Coding change: c.2551_2675del125 on transcript NM_003470.3 (MANE Select); coding-DNA positions 2551 to 2675, 125 bases deleted.
Protein change: p.Asn851fs; shifts the reading frame from asparagine 851.
Molecular consequence: frameshift variant, splice acceptor variant, splice donor variant. On other transcripts: non-coding transcript variant (1).
Genome position: GRCh38: chr16:8,898,403-8,898,620. GRCh37 (hg19): chr16:8,992,260-8,992,477.
Other names: c.2503_2627del125, p.Asn835fs (NM_001286457.2); c.2254_2378del125, p.Asn752fs (NM_001286458.2); c.2377_2501del125, p.Asn793fs (NM_001321858.2); short protein forms N752fs, N793fs, N835fs, N851fs.
Identifiers: ClinVar variation 4535166 (VCV004535166.6).

ClinVar aggregate classification (germline): Pathogenic (1 of 4 stars; one submission).

Submission:

CeGaT Center for Human Genetics Tuebingen
Classification: Pathogenic. Last evaluated: 2025-11-01. Review status: criteria provided, single submitter. Criteria: CeGaT Center For Human Genetics Tuebingen Variant Classification Criteria Version 2. Collection method: clinical testing. Allele origin: germline. Affected: yes. Observed: 1 variant allele.
Comment: USP7: PVS1, PM2